The following is an entry in ClinVar:

ClinVar aggregate classification (germline): Uncertain significance. Review status: criteria provided, multiple submitters, no conflicts (2 of 4 stars). 2 submissions from 2 submitters: Uncertain significance (2). Last evaluated 2023-03-28.

Conditions:
Developmental and epileptic encephalopathy. Identifiers: MedGen C5779964, MONDO:0100620.

Allele frequency attached by ClinVar (database versions not stated): gnomAD exomes below 0.00001; TOPMed below 0.00001; ExAC 0.00001; gnomAD 0.00001; ESP Exome Variant Server 0.00008.

Submissions (2):

GeneDx
Classification: Uncertain significance. Last evaluated: 2023-03-28. Review status: criteria provided, single submitter. Criteria: GeneDx Variant Classification Process June 2021. Collection method: clinical testing. Allele origin: germline. Affected: yes.
Comment: Not observed at significant frequency in large population cohorts (gnomAD); In silico analysis supports that this missense variant has a deleterious effect on protein structure/function; In silico analysis supports a deleterious effect on splicing; Has not been previously published as pathogenic or benign to our knowledge

Labcorp Genetics (formerly Invitae), Labcorp
Classification: Uncertain significance for Early-infantile DEE. Last evaluated: 2022-01-15. Review status: criteria provided, single submitter. Criteria: Invitae Variant Classification Sherloc (09022015). Collection method: clinical testing. Allele origin: germline.
Comment: This sequence change replaces serine, which is neutral and polar, with cysteine, which is neutral and slightly polar, at codon 95 of the SLC25A22 protein (p.Ser95Cys). This variant is present in population databases (rs369735050, gnomAD 0.002%). This variant has not been reported in the literature in individuals affected with SLC25A22-related conditions. ClinVar contains an entry for this variant (Variation ID: 207162). Algorithms developed to predict the effect of missense changes on protein structure and function are either unavailable or do not agree on the potential impact of this missense change (SIFT: "Tolerated"; PolyPhen-2: "Probably Damaging"; Align-GVGD: "Class C15"). Algorithms developed to predict the effect of sequence changes on RNA splicing suggest that this variant may create or strengthen a splice site. In summary, the available evidence is currently insufficient to determine the role of this variant in disease. Therefore, it has been classified as a Variant of Uncertain Significance.

NM_001191061.2(SLC25A22):c.284C>G (p.Ser95Cys)

Gene: SLC25A22 (solute carrier family 25 member 22; minus strand). Cytogenetic location: 11p15.5.
Variant type: single nucleotide variant.
Coding change: c.284C>G on transcript NM_001191061.2 (MANE Select); coding-DNA position 284, C replaced by G.
Protein change: p.Ser95Cys; replaces serine 95 with cysteine.
Molecular consequence: missense variant.
Genome position (GRCh38, 1-based): chr11:793,538, G>C on the plus strand (C>G on the coding strand, the complement: SLC25A22 is on the minus strand). VCF-style: chr11-793538-G-C. GRCh37 (hg19) VCF-style: chr11-793538-G-C.
Other names: p.S95C:TCT>TGT; c.284C>G, p.Ser95Cys (NM_001191060.2, NM_024698.6); short protein forms S95C.
Identifiers: ClinVar variation 207162 (VCV000207162.10), dbSNP rs369735050, ClinGen allele CA318366.